The following is an entry in ClinVar:

ClinVar aggregate classification (germline): Likely benign. Review status: criteria provided, multiple submitters, no conflicts (2 of 4 stars). 6 submissions from 6 submitters: Likely benign (6). Last evaluated 2025-07-08.

Conditions:
Catecholaminergic polymorphic ventricular tachycardia (CVPT). Also called: Catecholamine-induced polymorphic ventricular tachycardia. Identifiers: Orphanet 3286, MedGen C5574922, MONDO:0017990.
Cardiovascular phenotype. Identifiers: MedGen CN230736.
Cardiomyopathy (CMYO). Also called: Cardiomyopathies. Identifiers: Orphanet 167848, MedGen C0878544, MONDO:0004994, HP:0001638. Inheritance: Various modes of inheritance.
Catecholaminergic polymorphic ventricular tachycardia 1. Also called: VENTRICULAR TACHYCARDIA, CATECHOLAMINERGIC POLYMORPHIC, 1, WITH OR WITHOUT ATRIAL DYSFUNCTION AND/OR DILATED CARDIOMYOPATHY; VENTRICULAR TACHYCARDIA, STRESS-INDUCED POLYMORPHIC 1; RYR2-Related Catecholaminergic Polymorphic Ventricular Tachycardia. Identifiers: Orphanet 3286, MedGen C1631597, MONDO:0011484, OMIM 604772.

Allele frequency attached by ClinVar (database versions not stated): gnomAD exomes below 0.00001 and 0.00001; gnomAD 0.00001; ExAC 0.00002; TOPMed 0.00002; ESP Exome Variant Server 0.00009.
gnomAD v4.1: 2 of 1,606,244 alleles (0.00012%); highest among the groups gnomAD compares: Non-Finnish European, 0.00017%; no homozygotes.

Submissions (6):

Labcorp Genetics (formerly Invitae), Labcorp
Classification: Likely benign for Catecholaminergic polymorphic ventricular tachycardia 1. Last evaluated: 2025-07-08. Review status: criteria provided, single submitter. Criteria: Invitae Variant Classification Sherloc (09022015). Collection method: clinical testing. Allele origin: germline.

Blueprint Genetics
Classification: Likely benign. Last evaluated: 2024-02-20. Review status: criteria provided, single submitter. Criteria: ACMG Guidelines, 2015. Collection method: clinical testing. Allele origin: germline.

All of Us Research Program, National Institutes of Health
Classification: Likely benign for Catecholaminergic polymorphic ventricular tachycardia. Last evaluated: 2023-12-01. Review status: criteria provided, single submitter. Criteria: ACMG Guidelines, 2015. Collection method: clinical testing. Allele origin: germline. Inheritance: Autosomal dominant inheritance. Observed: 3 variant alleles, 3 heterozygotes.
Comment: This study involves interpretation of variants in research participants for the purpose of population health screening. Participant phenotype was not available at the time of variant classification. Additional details can be found in publication PMID: 35346344, PMCID: PMC8962531

Ambry Genetics
Classification: Likely benign for Cardiovascular phenotype. Last evaluated: 2019-08-24. Review status: criteria provided, single submitter. Criteria: Ambry Variant Classification Scheme 2023. Collection method: clinical testing. Allele origin: germline.

Color Diagnostics, LLC DBA Color Health
Classification: Likely benign for Cardiomyopathy. Last evaluated: 2018-12-31. Review status: criteria provided, single submitter. Criteria: ACMG Guidelines, 2015. Collection method: clinical testing. Allele origin: germline.

GeneDx
Classification: Likely benign. Last evaluated: 2018-01-30. Review status: criteria provided, single submitter. Criteria: GeneDx Variant Classification (06012015). Collection method: clinical testing. Allele origin: germline. Affected: yes.
Comment: This variant is considered likely benign or benign based on one or more of the following criteria: it is a conservative change, it occurs at a poorly conserved position in the protein, it is predicted to be benign by multiple in silico algorithms, and/or has population frequency not consistent with disease.

NM_001035.3(RYR2):c.13788A>T (p.Pro4596=)

Gene: RYR2 (ryanodine receptor 2; plus strand). Cytogenetic location: 1q43.
Variant type: single nucleotide variant.
Coding change: c.13788A>T on transcript NM_001035.3 (MANE Select); coding-DNA position 13788, A replaced by T.
Protein change: p.Pro4596=; no amino-acid change (proline 4596 retained).
Molecular consequence: synonymous variant.
Genome position (GRCh38, 1-based): chr1:237,793,872, A>T. VCF-style: chr1-237793872-A-T. GRCh37 (hg19) VCF-style: chr1-237957172-A-T.
Other names: c.13788A>T, p.Pro4596= (LRG_402t1).
Identifiers: ClinVar variation 515138 (VCV000515138.15), dbSNP rs368675632, ClinGen allele CA085496.